The following is an entry in ClinVar:

NM_007186.6(CEP250):c.2555A>G (p.Glu852Gly)

Genes: CEP250 (centrosomal protein 250; plus strand), CEP250-AS1 (CEP250 antisense RNA 1; minus strand). Cytogenetic location: 20q11.22.
Variant type: single nucleotide variant.
Coding change: c.2555A>G on transcript NM_007186.6 (MANE Select); coding-DNA position 2555, A replaced by G.
Protein change: p.Glu852Gly; replaces glutamic acid 852 with glycine.
Molecular consequence: missense variant.
Genome position (GRCh38, 1-based): chr20:35,480,114, A>G. VCF-style: chr20-35480114-A-G. GRCh37 (hg19) VCF-style: chr20-34067939-A-G.
Other names: c.659A>G, p.Glu220Gly (NM_001318219.1); short protein forms E220G, E852G.
Identifiers: ClinVar variation 1051344 (VCV001051344.7), dbSNP rs1227825658, ClinGen allele CA408770056.

ClinVar aggregate classification (germline): Uncertain significance (1 of 4 stars; one submission).

Allele frequency attached by ClinVar (database versions not stated): TOPMed below 0.00001; gnomAD 0.00001.
gnomAD v4.1: 3 of 1,612,356 alleles (0.00019%); highest among the groups gnomAD compares: African/African-American, 0.0013%; no homozygotes.

Submission:

Labcorp Genetics (formerly Invitae), Labcorp
Classification: Uncertain significance. Last evaluated: 2020-02-02. Review status: criteria provided, single submitter. Criteria: Invitae Variant Classification Sherloc (09022015). Collection method: clinical testing. Allele origin: germline.
Comment: Algorithms developed to predict the effect of missense changes on protein structure and function are either unavailable or do not agree on the potential impact of this missense change (SIFT: "Not Available"; PolyPhen-2: "Possibly Damaging"; Align-GVGD: "Not Available"). In summary, the available evidence is currently insufficient to determine the role of this variant in disease. Therefore, it has been classified as a Variant of Uncertain Significance. This variant has not been reported in the literature in individuals with CEP250-related conditions. This variant is not present in population databases (ExAC no frequency). This sequence change replaces glutamic acid with glycine at codon 852 of the CEP250 protein (p.Glu852Gly). The glutamic acid residue is moderately conserved and there is a moderate physicochemical difference between glutamic acid and glycine.